The following is an entry in ClinVar:

ClinVar aggregate classification (germline): Uncertain significance. Review status: criteria provided, multiple submitters, no conflicts (2 of 4 stars). 2 submissions from 2 submitters: Uncertain significance (2). Last evaluated 2022-05-27.

Conditions:
Cranioectodermal dysplasia 1 (CED1). Also called: LEVIN SYNDROME I. Identifiers: Orphanet 1515, MedGen C0432235, MONDO:0021093, OMIM 218330.

Allele frequency attached by ClinVar (database versions not stated): gnomAD exomes below 0.00001; TOPMed below 0.00001; gnomAD 0.00001.
gnomAD v4.1: 6 of 1,614,076 alleles (0.00037%); highest among the groups gnomAD compares: Non-Finnish European, 0.00051%; no homozygotes.

Submissions (2):

Labcorp Genetics (formerly Invitae), Labcorp
Classification: Uncertain significance for Cranioectodermal dysplasia 1. Last evaluated: 2022-05-27. Review status: criteria provided, single submitter. Criteria: Invitae Variant Classification Sherloc (09022015). Collection method: clinical testing. Allele origin: germline.
Comment: This variant is present in population databases (no rsID available, gnomAD 0.007%). In summary, the available evidence is currently insufficient to determine the role of this variant in disease. Therefore, it has been classified as a Variant of Uncertain Significance. Algorithms developed to predict the effect of missense changes on protein structure and function are either unavailable or do not agree on the potential impact of this missense change (SIFT: "Deleterious"; PolyPhen-2: "Probably Damaging"; Align-GVGD: "Class C0"). ClinVar contains an entry for this variant (Variation ID: 423724). This missense change has been observed in individual(s) with clinical features of short-rib thoracic dysplasia (Invitae). This sequence change replaces histidine, which is basic and polar, with proline, which is neutral and non-polar, at codon 407 of the IFT122 protein (p.His407Pro).

GeneDx
Classification: Uncertain significance. Last evaluated: 2017-02-16. Review status: criteria provided, single submitter. Criteria: GeneDx Variant Classification (06012015). Collection method: clinical testing. Allele origin: germline. Affected: yes.
Comment: The H407P variant in the IFT122 gene has not been reported previously as a pathogenic variant, nor as a benign variant, to our knowledge. The H407P variant is not observed in large population cohorts (Lek et al., 2016; 1000 Genomes Consortium et al., 2015; Exome Variant Server). The H407P variant is a non-conservative amino acid substitution, which is likely to impact secondary protein structure as these residues differ in polarity, charge, size and/or other properties. This substitution occurs at a position that is conserved across species, and in silico analysis predicts this variant is probably damaging to the protein structure/function. We interpret H407P as a variant of uncertain significance.

NM_052989.3(IFT122):c.1067A>C (p.His356Pro)

Gene: IFT122 (intraflagellar transport 122; plus strand). Cytogenetic location: 3q21.3.
Variant type: single nucleotide variant.
Coding change: c.1067A>C on transcript NM_052989.3 (MANE Select); coding-DNA position 1067, A replaced by C.
Protein change: p.His356Pro; replaces histidine 356 with proline.
Molecular consequence: missense variant.
Genome position (GRCh38, 1-based): chr3:129,476,721, A>C. VCF-style: chr3-129476721-A-C. GRCh37 (hg19) VCF-style: chr3-129195564-A-C.
Other names: c.1043A>C, p.His348Pro (NM_001280541.2); c.617A>C, p.His206Pro (NM_001280545.2); c.440A>C, p.His147Pro (NM_001280546.2); c.890A>C, p.His297Pro (NM_018262.4); c.1220A>C, p.His407Pro (NM_052985.4); c.734A>C, p.His245Pro (NM_052990.3); short protein forms H407P, H147P, H356P, H206P, H348P, H245P, H297P.
Identifiers: ClinVar variation 423724 (VCV000423724.11), dbSNP rs1064796598, ClinGen allele CA16617825.